The following is an entry in ClinVar:

ClinVar aggregate classification (germline): Likely benign (0 of 4 stars; one submission).

Conditions:
SEMA3D-related disorder. Also called: SEMA3D-related condition.

gnomAD v4.1: 2 of 1,584,602 alleles (0.00013%); highest among the groups gnomAD compares: African/African-American, 0.0013%; no homozygotes.

Submission:

PreventionGenetics, part of Exact Sciences
Classification: Likely benign for SEMA3D-related condition. Last evaluated: 2024-04-30. Review status: no assertion criteria provided. Collection method: clinical testing. Allele origin: germline.
Comment: This variant is classified as likely benign based on ACMG/AMP sequence variant interpretation guidelines (Richards et al. 2015 PMID: 25741868, with internal and published modifications).

NM_001384900.1(SEMA3D):c.582A>T (p.Val194=)

Gene: SEMA3D (semaphorin 3D; minus strand). Cytogenetic location: 7q21.11.
Variant type: single nucleotide variant.
Coding change: c.582A>T on transcript NM_001384900.1 (MANE Select); coding-DNA position 582, A replaced by T.
Protein change: p.Val194=; no amino-acid change (valine 194 retained).
Molecular consequence: synonymous variant.
Genome position (GRCh38, 1-based): chr7:85,068,198, T>A on the plus strand (A>T on the coding strand, the complement: SEMA3D is on the minus strand). VCF-style: chr7-85068198-T-A. GRCh37 (hg19) VCF-style: chr7-84697514-T-A.
Other names: c.582A>T, p.Val194= (NM_001384901.1, NM_001384902.1, NM_001384903.1 and 1 more transcripts).
Identifiers: ClinVar variation 3357795 (VCV003357795.1).